The following is an entry in ClinVar:

ClinVar aggregate classification (germline): Pathogenic (1 of 4 stars; one submission).

Conditions:
Primary ciliary dyskinesia. Also called: Ciliary dyskinesia. Identifiers: Orphanet 244, MedGen C0008780, MONDO:0016575, HP:0012265.

Submission:

Labcorp Genetics (formerly Invitae), Labcorp
Classification: Pathogenic for Primary ciliary dyskinesia. Last evaluated: 2022-12-03. Review status: criteria provided, single submitter. Criteria: Invitae Variant Classification Sherloc (09022015). Collection method: clinical testing. Allele origin: germline.
Comment: For these reasons, this variant has been classified as Pathogenic. This variant has not been reported in the literature in individuals affected with DNAH5-related conditions. This variant is not present in population databases (gnomAD no frequency). This sequence change creates a premature translational stop signal (p.Glu3655*) in the DNAH5 gene. It is expected to result in an absent or disrupted protein product. Loss-of-function variants in DNAH5 are known to be pathogenic (PMID: 11788826, 16627867).

Literature cited by the submitters: PubMed 11788826; PubMed 16627867.

NM_001369.3(DNAH5):c.10963G>T (p.Glu3655Ter)

Gene: DNAH5 (dynein axonemal heavy chain 5; minus strand). Cytogenetic location: 5p15.2.
Variant type: single nucleotide variant.
Coding change: c.10963G>T on transcript NM_001369.3 (MANE Select); coding-DNA position 10963, G replaced by T.
Protein change: p.Glu3655Ter; replaces glutamic acid 3655 with a stop codon.
Molecular consequence: nonsense.
Genome position (GRCh38, 1-based): chr5:13,752,199, C>A on the plus strand (G>T on the coding strand, the complement: DNAH5 is on the minus strand). VCF-style: chr5-13752199-C-A. GRCh37 (hg19) VCF-style: chr5-13752308-C-A.
Other names: short protein forms E3655*.
Identifiers: ClinVar variation 2101515 (VCV002101515.4), dbSNP rs2546611663, ClinGen allele CA359190011.